The following is an entry in ClinVar:

ClinVar aggregate classification (germline): Uncertain significance. Review status: criteria provided, multiple submitters, no conflicts (2 of 4 stars). 3 submissions from 3 submitters: Uncertain significance (3). Last evaluated 2026-06-15.

Conditions:
PRPH2-related disorder. Also called: PRPH2-related disorders; PRPH2-related condition. Identifiers: MedGen CN239395.

Allele frequency attached by ClinVar (database versions not stated): gnomAD 0.00001.
gnomAD v4.1: 5 of 1,614,056 alleles (0.00031%); highest among the groups gnomAD compares: East Asian, 0.0045%; no homozygotes.

Submissions (3):

PreventionGenetics, part of Exact Sciences
Classification: Uncertain significance for PRPH2-related condition. Last evaluated: 2026-06-15. Review status: criteria provided, single submitter. Criteria: ACMG Guidelines, 2015. Collection method: clinical testing. Allele origin: germline.
Comment: The PRPH2 c.468C>G variant is predicted to result in the amino acid substitution p.Ile156Met. To our knowledge, this variant has not been reported in the literature or in population databases in gnomad v2. However, in gnomAD v4 (available only on GRCh38), this variant is reportedin 0.004455% of alleles in individuals of East Asian descent. At this time, the clinical significance of this variant is uncertain due to the absence of conclusive functional and genetic evidence.

Labcorp Genetics (formerly Invitae), Labcorp
Classification: Uncertain significance for PRPH2-related disorder. Last evaluated: 2022-09-13. Review status: criteria provided, single submitter. Criteria: Invitae Variant Classification Sherloc (09022015). Collection method: clinical testing. Allele origin: germline.
Comment: This sequence change replaces isoleucine, which is neutral and non-polar, with methionine, which is neutral and non-polar, at codon 156 of the PRPH2 protein (p.Ile156Met). This variant is present in population databases (no rsID available, gnomAD 0.06%). This variant has not been reported in the literature in individuals affected with PRPH2-related conditions. ClinVar contains an entry for this variant (Variation ID: 958063). Advanced modeling of protein sequence and biophysical properties (such as structural, functional, and spatial information, amino acid conservation, physicochemical variation, residue mobility, and thermodynamic stability) performed at Invitae indicates that this missense variant is not expected to disrupt PRPH2 protein function. In summary, the available evidence is currently insufficient to determine the role of this variant in disease. Therefore, it has been classified as a Variant of Uncertain Significance.

Blueprint Genetics
Classification: Uncertain significance. Last evaluated: 2022-04-29. Review status: criteria provided, single submitter. Criteria: ACMG Guidelines, 2015. Collection method: clinical testing. Allele origin: germline.

NM_000322.5(PRPH2):c.468C>G (p.Ile156Met)

Gene: PRPH2 (peripherin 2; minus strand). Cytogenetic location: 6p21.1.
Variant type: single nucleotide variant.
Coding change: c.468C>G on transcript NM_000322.5 (MANE Select); coding-DNA position 468, C replaced by G.
Protein change: p.Ile156Met; replaces isoleucine 156 with methionine.
Molecular consequence: missense variant.
Genome position (GRCh38, 1-based): chr6:42,721,867, G>C on the plus strand (C>G on the coding strand, the complement: PRPH2 is on the minus strand). VCF-style: chr6-42721867-G-C. GRCh37 (hg19) VCF-style: chr6-42689605-G-C.
Other names: short protein forms I156M.
Identifiers: ClinVar variation 958063 (VCV000958063.11), dbSNP rs761275918, ClinGen allele CA364137492.